The following is an entry in ClinVar:

NM_000260.4(MYO7A):c.162G>A (p.Thr54=)

Gene: MYO7A (myosin VIIA; plus strand). Cytogenetic location: 11q13.5.
Variant type: single nucleotide variant.
Coding change: c.162G>A on transcript NM_000260.4 (MANE Select); coding-DNA position 162, G replaced by A.
Protein change: p.Thr54=; no amino-acid change (threonine 54 retained).
Molecular consequence: synonymous variant.
Genome position (GRCh38, 1-based): chr11:77,147,827, G>A. VCF-style: chr11-77147827-G-A. GRCh37 (hg19) VCF-style: chr11-76858873-G-A.
Other names: c.162G>A (NM_000260.3); c.162G>A, p.Thr54= (NM_001127180.2); c.129G>A, p.Thr43= (NM_001369365.1).
Identifiers: ClinVar variation 1147697 (VCV001147697.10), dbSNP rs782185833, ClinGen allele CA475791864.

ClinVar aggregate classification (germline): Likely benign. Review status: criteria provided, multiple submitters, no conflicts (2 of 4 stars). 2 submissions from 2 submitters: Likely benign (2). Last evaluated 2025-11-05.

Conditions:
MYO7A-related disorder. Also called: MYO7A-related disorders.

gnomAD v4.1: 14 of 1,610,294 alleles (0.00087%); highest among the groups gnomAD compares: Non-Finnish European, 0.0011%; no homozygotes.

Submissions (2):

PreventionGenetics, part of Exact Sciences
Classification: Likely benign for MYO7A-related condition. Last evaluated: 2025-11-05. Review status: criteria provided, single submitter. Criteria: ACMG Guidelines, 2015. Collection method: clinical testing. Allele origin: germline.
Comment: This variant is classified as likely benign based on ACMG/AMP sequence variant interpretation guidelines (Richards et al. 2015 PMID: 25741868, with internal and published modifications).

Labcorp Genetics (formerly Invitae), Labcorp
Classification: Likely benign. Last evaluated: 2024-12-23. Review status: criteria provided, single submitter. Criteria: Invitae Variant Classification Sherloc (09022015). Collection method: clinical testing. Allele origin: germline.